The following is an entry in ClinVar:

NM_000179.3(MSH6):c.2738dup (p.Asp913fs)

Gene: MSH6 (mutS homolog 6; plus strand). Cytogenetic location: 2p16.3.
Variant type: Duplication.
Coding change: c.2738dup on transcript NM_000179.3 (MANE Select); coding-DNA position 2738, one base duplicated (A; older notation c.2738dupA).
Protein change: p.Asp913fs; shifts the reading frame from aspartic acid 913.
Molecular consequence: frameshift variant. On other transcripts: non-coding transcript variant (5), intron variant (2).
Genome position (GRCh38, 1-based): chr2:47,800,721, A duplicated. VCF-style (leftmost placement, unchanged base first): chr2-47800720-G-GA. GRCh37 (hg19) VCF-style: chr2-48027859-G-GA.
Other names: c.2348dup, p.Asp783fs (NM_001281492.2); c.1832dup, p.Asp611fs (NM_001281493.2, NM_001281494.2, NM_001406811.1 and 6 more transcripts); c.2834dup, p.Asp945fs (NM_001406795.1, NM_001406802.1); c.2738dup, p.Asp913fs (NM_001406796.1, NM_001406798.1, NM_001406800.1 and 2 more transcripts); c.2441dup, p.Asp814fs (NM_001406797.1, NM_001406801.1, NM_001406805.1 and 10 more transcripts); c.2213dup, p.Asp738fs (NM_001406799.1, NM_001406806.1, NM_001406807.1); c.2660dup, p.Asp887fs (NM_001406804.1); c.2744dup, p.Asp915fs (NM_001406813.1); and 5 more; short protein forms D611fs, D857fs, D913fs, D915fs, D945fs, D228fs, D783fs, D738fs.
Identifiers: ClinVar variation 4827443 (VCV004827443.1).
Genomic context (GRCh38, chr2:47,800,720, plus strand): 5'-CTGCAGACAAAAAATCCTGAAGGTCGTTTTCCTGATTTGACTGTAGAATTGAACCGATGG[G>GA]ATACAGCCTTTGACCATGAAAAGGCTCGAAAGACTGGACTTATTACTCCCAAAGCAGGCT-3'

ClinVar aggregate classification (germline): Pathogenic (1 of 4 stars; one submission).

Conditions:
Hereditary cancer-predisposing syndrome. Also called: Neoplastic Syndromes, Hereditary; Tumor predisposition; Hereditary Cancer Syndrome; Hereditary neoplastic syndrome. Identifiers: Orphanet 140162, MedGen C0027672, MeSH D009386, MONDO:0015356.

Submission:

Ambry Genetics
Classification: Pathogenic for Hereditary cancer-predisposing syndrome. Last evaluated: 2026-02-25. Review status: criteria provided, single submitter. Criteria: Ambry Variant Classification Scheme 2023. Collection method: clinical testing. Allele origin: germline.
Comment: The c.2738dupA pathogenic mutation, located in coding exon 4 of the MSH6 gene, results from a duplication of A at nucleotide position 2738, causing a translational frameshift with a predicted alternate stop codon (p.D913Efs*5). This variant is considered to be rare based on population cohorts in the Genome Aggregation Database (gnomAD). This alteration is expected to result in loss of function by premature protein truncation or nonsense-mediated mRNA decay. As such, this alteration is interpreted as a disease-causing mutation.